The following is an entry in ClinVar:

ClinVar aggregate classification (germline): Pathogenic. Review status: criteria provided, multiple submitters, no conflicts (2 of 4 stars). 6 submissions from 6 submitters: Pathogenic (6). Last evaluated 2025-06-16.

Conditions:
PKD1-related disorder. Also called: PKD1-related condition.
Polycystic kidney disease, adult type (PKD1). Also called: Polycystic Kidney Disease 1, Autosomal Dominant; Polycystic kidney disease 1; Polycystic kidney disease 1, severe; POLYCYSTIC KIDNEY DISEASE 1 WITH OR WITHOUT POLYCYSTIC LIVER DISEASE; Polycystic Kidney, Autosomal Dominant; POLYCYSTIC KIDNEY DISEASE, ADULT, TYPE I. Identifiers: MedGen C3149841, MONDO:0008263, OMIM 173900.
Polycystic kidney disease. Also called: Polycystic kidney dysplasia; Kidney, Polycystic. Identifiers: MedGen C0022680, MeSH D007690, MONDO:0020642, HP:0000113.
Hypertensive disorder. Also called: Hypertension. Identifiers: MedGen C0020538, MONDO:0005044, HP:0000822.

Submissions (6):

GeneDx
Classification: Pathogenic. Last evaluated: 2025-06-16. Review status: criteria provided, single submitter. Criteria: GeneDx Variant Classification Process June 2021. Collection method: clinical testing. Allele origin: germline. Affected: yes.
Comment: Nonsense variant predicted to result in protein truncation or nonsense mediated decay in a gene for which loss of function is a known mechanism of disease; Not observed at significant frequency in large population cohorts (gnomAD); This variant is associated with the following publications: (PMID: 31740684, 37509056, 29633482)

Women's Health and Genetics/Laboratory Corporation of America, LabCorp
Classification: Pathogenic for Polycystic kidney disease, adult type. Last evaluated: 2025-03-21. Review status: criteria provided, single submitter. Criteria: LabCorp Variant Classification Summary - May 2015. Collection method: clinical testing. Allele origin: germline.
Comment: Variant summary: PKD1 c.3520C>T (p.Gln1174X) results in a premature termination codon, predicted to cause a truncation of the encoded protein or absence of the protein due to nonsense mediated decay, which are commonly known mechanisms for disease. The variant was absent in 181306 control chromosomes. c.3520C>T has been reported in the literature in at least one individuals affected with autosomal dominant Polycystic Kidney Disease 1 (e.g. Kim_2015). To our knowledge, no experimental evidence demonstrating an impact on protein function has been reported. The following publication has been ascertained in the context of this evaluation (PMID: 31740684). ClinVar contains an entry for this variant (Variation ID: 374102). Based on the evidence outlined above, the variant was classified as pathogenic.

Fulgent Genetics
Classification: Pathogenic for Polycystic kidney disease, adult type. Last evaluated: 2024-05-28. Review status: criteria provided, single submitter. Criteria: ACMG Guidelines, 2015. Collection method: clinical testing. Allele origin: germline.

PreventionGenetics, part of Exact Sciences
Classification: Pathogenic for PKD1-related condition. Last evaluated: 2023-05-27. Review status: criteria provided, single submitter. Criteria: ACMG Guidelines, 2015. Collection method: clinical testing. Allele origin: germline.
Comment: The PKD1 c.3520C>T variant is predicted to result in premature protein termination (p.Gln1174*). This variant has been reported in individuals with autosomal dominant polycystic kidney disease (Zhang et al 2018. PubMed ID: 29633482; Kim H et al 2019. PubMed ID: 31740684). This variant has not been reported in a large population database, indicating this variant is rare. Nonsense variants in PKD1 are expected to be pathogenic. This variant is interpreted as pathogenic.

Centre for Mendelian Genomics, University Medical Centre Ljubljana
Classification: Pathogenic for Hypertensive disorder; Polycystic kidney disease. Last evaluated: 2015-06-11. Review status: criteria provided, single submitter. Criteria: ACMG Guidelines, 2015. Collection method: clinical testing. Allele origin: unknown. Affected: yes.

Juno Genomics, Hangzhou Juno Genomics, Inc
Classification: Pathogenic for Polycystic kidney disease, adult type. Review status: criteria provided, single submitter. Criteria: ACMG Guidelines, 2015. Collection method: clinical testing. Allele origin: germline. Affected: yes.
Comment: Absent from controls (or at extremely low frequency if recessive) in Genome Aggregation Database, Exome Sequencing Project, 1000 Genomes Project, or Exome Aggregation Consortium.;Null variant in a gene where loss of function (LOF) is a known mechanism of disease.;The prevalence of the variant in affected individuals is significantly increased compared to the prevalence in controls.;Patient's phenotype or family history is highly specific for a disease with a single genetic etiology.

Literature cited by the submitters: PubMed 31740684 (cited by Women's Health and Genetics/Laboratory Corporation of America, LabCorp).

NM_001009944.3(PKD1):c.3520C>T (p.Gln1174Ter)

Gene: PKD1 (polycystin 1, transient receptor potential channel interacting; minus strand). Cytogenetic location: 16p13.3.
Variant type: single nucleotide variant.
Coding change: c.3520C>T on transcript NM_001009944.3 (MANE Select); coding-DNA position 3520, C replaced by T.
Protein change: p.Gln1174Ter; replaces glutamine 1174 with a stop codon.
Molecular consequence: nonsense.
Genome position (GRCh38, 1-based): chr16:2,111,647, G>A on the plus strand (C>T on the coding strand, the complement: PKD1 is on the minus strand). VCF-style: chr16-2111647-G-A. GRCh37 (hg19) VCF-style: chr16-2161648-G-A.
Other names: c.3520C>T, p.Gln1174Ter (NM_000296.4); short protein forms Q1174*.
Identifiers: ClinVar variation 374102 (VCV000374102.9), dbSNP rs1057518899, ClinGen allele CA16043509.